The following is an entry in ClinVar:

NM_002103.5(GYS1):c.1063-2A>G

Gene: GYS1 (glycogen synthase 1; minus strand). Cytogenetic location: 19q13.33.
Variant type: single nucleotide variant.
Coding change: c.1063-2A>G on transcript NM_002103.5 (MANE Select); the canonical splice acceptor site of the intron before coding-DNA position 1063, A replaced by G.
Molecular consequence: splice acceptor variant.
Genome position (GRCh38, 1-based): chr19:48,981,638, T>C on the plus strand (A>G on the coding strand, the complement: GYS1 is on the minus strand). VCF-style: chr19-48981638-T-C. GRCh37 (hg19) VCF-style: chr19-49484895-T-C.
Other names: c.871-2A>G (NM_001161587.2).
Identifiers: ClinVar variation 2021995 (VCV002021995.4), dbSNP rs1382122523, ClinGen allele CA406763241.

ClinVar aggregate classification (germline): Likely pathogenic (1 of 4 stars; one submission).

Conditions:
Glycogen storage disease due to muscle and heart glycogen synthase deficiency. Also called: MUSCLE GLYCOGEN SYNTHASE DEFICIENCY; GSD 0b. Identifiers: Orphanet 137625, MedGen C1969054, MONDO:0012693, OMIM 611556.

Allele frequency attached by ClinVar (database versions not stated): TOPMed below 0.00001.

Submission:

Labcorp Genetics (formerly Invitae), Labcorp
Classification: Likely pathogenic for Glycogen storage disease due to muscle and heart glycogen synthase deficiency. Last evaluated: 2022-08-13. Review status: criteria provided, single submitter. Criteria: Invitae Variant Classification Sherloc (09022015). Collection method: clinical testing. Allele origin: germline.
Comment: This sequence change affects an acceptor splice site in intron 7 of the GYS1 gene. It is expected to disrupt RNA splicing. Variants that disrupt the donor or acceptor splice site typically lead to a loss of protein function (PMID: 16199547), and loss-of-function variants in GYS1 are known to be pathogenic (PMID: 17928598, 19699667). This variant is not present in population databases (gnomAD no frequency). This variant has not been reported in the literature in individuals affected with GYS1-related conditions. Algorithms developed to predict the effect of sequence changes on RNA splicing suggest that this variant may disrupt the consensus splice site. In summary, the currently available evidence indicates that the variant is pathogenic, but additional data are needed to prove that conclusively. Therefore, this variant has been classified as Likely Pathogenic.

Literature cited by the submitters: PubMed 16199547; PubMed 17928598; PubMed 19699667.